The following is an entry in ClinVar:

NM_000532.5(PCCB):c.82C>G (p.Leu28Val)

Gene: PCCB (propionyl-CoA carboxylase subunit beta; plus strand). Cytogenetic location: 3q22.3.
Variant type: single nucleotide variant.
Coding change: c.82C>G on transcript NM_000532.5 (MANE Select); coding-DNA position 82, C replaced by G.
Protein change: p.Leu28Val; replaces leucine 28 with valine.
Molecular consequence: missense variant.
Genome position (GRCh38, 1-based): chr3:136,250,457, C>G. VCF-style: chr3-136250457-C-G. GRCh37 (hg19) VCF-style: chr3-135969299-C-G.
Other names: c.82C>G, p.Leu28Val (NM_001178014.2); short protein forms L28V.
Identifiers: ClinVar variation 343457 (VCV000343457.17), dbSNP rs141137691, ClinGen allele CA2631569.
Genomic context (GRCh38, chr3:136,250,457, plus strand): 5'-GCGGCGGTCGGGGCAAGGCTCAGCGTTCTGGCGAGCGGTCTCCGCGCCGCGGTCCGCAGC[C>G]TTTGCAGCCAGGCCACCTCTGTTAACGAACGCATCGAAAACAAGCGCCGGACCGCGCTGC-3'
Protein context (NP_000523.2, residues 18-38): ASGLRAAVRS[Leu28Val]CSQATSVNER

ClinVar aggregate classification (germline): Uncertain significance. Review status: criteria provided, multiple submitters, no conflicts (2 of 4 stars). 8 submissions from 8 submitters: Uncertain significance (5). 3 of the submissions do not count toward it. Last evaluated 2024-07-23.

Conditions:
Inborn genetic diseases. Identifiers: MedGen C0950123, MeSH D030342.
Propionic acidemia (PROP). Also called: GLYCINEMIA, KETOTIC; HYPERGLYCINEMIA WITH KETOACIDOSIS AND LEUKOPENIA; KETOTIC HYPERGLYCINEMIA. Identifiers: Orphanet 35, MedGen C0268579, MONDO:0011628, OMIM 606054, HP:0003571.

Allele frequency attached by ClinVar (database versions not stated): gnomAD 0.00026; 1000 Genomes Project 30x 0.00031; TOPMed 0.00031; ESP Exome Variant Server 0.00069.
gnomAD v4.1: 495 of 1,609,040 alleles (0.031%); highest among the groups gnomAD compares: Non-Finnish European, 0.039%; 1 homozygote.

Submissions (8):

GeneDx
Classification: Uncertain significance. Last evaluated: 2024-07-23. Review status: criteria provided, single submitter. Criteria: GeneDx Variant Classification Process June 2021. Collection method: clinical testing. Allele origin: germline. Affected: yes.
Comment: Has not been previously published as pathogenic or benign to our knowledge; In silico analysis indicates that this missense variant does not alter protein structure/function

Revvity Omics, Revvity
Classification: Uncertain significance for Propionic acidemia. Last evaluated: 2023-04-06. Review status: criteria provided, single submitter. Criteria: ACMG Guidelines, 2015. Collection method: clinical testing. Allele origin: germline.

Labcorp Genetics (formerly Invitae), Labcorp
Classification: Uncertain significance for Propionic acidemia. Last evaluated: 2022-09-01. Review status: criteria provided, single submitter. Criteria: Invitae Variant Classification Sherloc (09022015). Collection method: clinical testing. Allele origin: germline.
Comment: This sequence change replaces leucine, which is neutral and non-polar, with valine, which is neutral and non-polar, at codon 28 of the PCCB protein (p.Leu28Val). This variant is present in population databases (rs141137691, gnomAD 0.04%). This variant has not been reported in the literature in individuals affected with PCCB-related conditions. ClinVar contains an entry for this variant (Variation ID: 343457). Advanced modeling of protein sequence and biophysical properties (such as structural, functional, and spatial information, amino acid conservation, physicochemical variation, residue mobility, and thermodynamic stability) performed at Invitae indicates that this missense variant is not expected to disrupt PCCB protein function. In summary, the available evidence is currently insufficient to determine the role of this variant in disease. Therefore, it has been classified as a Variant of Uncertain Significance.

Ambry Genetics
Classification: Uncertain significance for Inborn genetic diseases. Last evaluated: 2021-09-15. Review status: criteria provided, single submitter. Criteria: Ambry Variant Classification Scheme 2023. Collection method: clinical testing. Allele origin: germline.

Illumina Laboratory Services, Illumina
Classification: Uncertain significance for Propionic acidemia. Last evaluated: 2018-01-13. Review status: criteria provided, single submitter. Criteria: ICSL Variant Classification Criteria 13 December 2019. Collection method: clinical testing. Allele origin: germline.

Natera, Inc.
Classification: Uncertain significance for Propionic acidemia. Last evaluated: 2019-10-28. Review status: no assertion criteria provided. Collection method: clinical testing. Allele origin: germline. Not counted in ClinVar's aggregate classification.

Clinical Genetics DNA and cytogenetics Diagnostics Lab, Erasmus MC, Erasmus Medical Center
Classification: Likely benign. Review status: no assertion criteria provided. Collection method: clinical testing. Allele origin: germline. Affected: yes. Study: VKGL Data-share Consensus. Not counted in ClinVar's aggregate classification.

Genome Diagnostics Laboratory, University Medical Center Utrecht
Classification: Likely benign. Review status: no assertion criteria provided. Collection method: clinical testing. Allele origin: germline. Affected: yes. Study: VKGL Data-share Consensus. Not counted in ClinVar's aggregate classification.